The following is an entry in ClinVar:

NM_000784.4(CYP27A1):c.395del (p.Leu132fs)

Gene: CYP27A1 (cytochrome P450 family 27 subfamily A member 1; plus strand). Cytogenetic location: 2q35.
Variant type: Deletion.
Coding change: c.395del on transcript NM_000784.4 (MANE Select); coding-DNA position 395, one base deleted (T; older notation c.395delT).
Protein change: p.Leu132fs; shifts the reading frame from leucine 132.
Molecular consequence: frameshift variant.
Genome position (GRCh38, 1-based): chr2:218,809,716, T deleted. VCF-style (leftmost placement, unchanged base first): chr2-218809715-CT-C. GRCh37 (hg19) VCF-style: chr2-219674438-CT-C.
Other names: short protein forms L132fs.
Identifiers: ClinVar variation 1724420 (VCV001724420.3), dbSNP rs2470223633, ClinGen allele CA2580065702.

ClinVar aggregate classification (germline): Likely pathogenic. Review status: criteria provided, multiple submitters, no conflicts (2 of 4 stars). 2 submissions from 2 submitters: Likely pathogenic (2). Last evaluated 2023-04-04.

Conditions:
Cholestanol storage disease (CTX). Also called: CEREBRAL CHOLESTERINOSIS; CTX: Cerebrotendinous xanthomatosis; Cerebrotendinous Xanthomatosis. Identifiers: Orphanet 909, MedGen C0238052, MONDO:0008948, OMIM 213700.

Submissions (2):

Baylor Genetics
Classification: Likely pathogenic for Cholestanol storage disease. Last evaluated: 2023-04-04. Review status: criteria provided, single submitter. Criteria: ACMG Guidelines, 2015. Collection method: clinical testing. Allele origin: unknown.

Myriad Genetics, Inc.
Classification: Likely pathogenic for Cholestanol storage disease. Last evaluated: 2022-02-14. Review status: criteria provided, single submitter. Criteria: Myriad Women's Health Autosomal Recessive and X-Linked Classification Criteria (2021). Collection method: clinical testing. Allele origin: unknown.
Comment: NM_000784.3(CYP27A1):c.395delT(L132Hfs*11) is expected to be pathogenic in the context of cerebrotendinous xanthomatosis. This variant is predicted to lead to an abnormal or absent protein product due to the creation of a premature termination codon in CYP27A1, a gene where loss-of-function variants are known to be pathogenic. Please note: this variant was assessed in the context of healthy population screening.